The following is an entry in ClinVar:

NM_000834.5(GRIN2B):c.2117T>A (p.Met706Lys)

Gene: GRIN2B (glutamate ionotropic receptor NMDA type subunit 2B; minus strand). Cytogenetic location: 12p13.1.
Variant type: single nucleotide variant.
Coding change: c.2117T>A on transcript NM_000834.5 (MANE Select); coding-DNA position 2117, T replaced by A.
Protein change: p.Met706Lys; replaces methionine 706 with lysine.
Molecular consequence: missense variant.
Genome position (GRCh38, 1-based): chr12:13,571,858, A>T on the plus strand (T>A on the coding strand, the complement: GRIN2B is on the minus strand). VCF-style: chr12-13571858-A-T. GRCh37 (hg19) VCF-style: chr12-13724792-A-T.
Other names: short protein forms M706K.
Identifiers: ClinVar variation 1696671 (VCV001696671.1), dbSNP rs2136415741, ClinGen allele CA383999112.
Genomic context (GRCh38, chr12:13,571,858, plus strand): 5'-TCTTACCCTGTTTTCAGGGAGAGCAATGCATCATCTACACCCCTCTGGTTGAACTTTCCC[A>T]TGTAGGCATGCATTTCTGCATAGTTATTGCGAATATTTCTCTCTGTGCTGCCGTTGGGCA-3'
Protein context (NP_000825.2, residues 696-716): RNNYAEMHAY[Met706Lys]GKFNQRGVDD

ClinVar aggregate classification (germline): Pathogenic (1 of 4 stars; one submission).

Conditions:
Intellectual developmental disorder, autosomal dominant 6, with or without seizures. Also called: GRIN2B-related developmental delay, intellectual disability and autism spectrum disorder; Intellectual disability, autosomal dominant 6. Identifiers: Orphanet 589547, MedGen C3151411, MONDO:0013509, OMIM 613970.

Submission:

New York Genome Center
Classification: Pathogenic for Intellectual developmental disorder, autosomal dominant 6, with or without seizures. Last evaluated: 2021-08-05. Review status: criteria provided, single submitter. Criteria: NYGC Assertion Criteria 2020. Collection method: clinical testing. Allele origin: de novo. Affected: yes. Observed: 1 heterozygote. Study: CSER-NYCKidSeq.
Comment: The de novo missense variant c.2117T>A, p.Met706Lys identified in the GRIN2B gene has not been reported in individuals with GRIN2B-related conditions. This variant is absent in gnomAD v3.1.1, suggesting it is not a common benign variant in the populations represented in this database. In silico algorithms predict a deleterious effect, and the variant resides at the Ligand-gated ion channel domain. An allelic variant (c.2116A>G, p.Met706Val) has been observed inindividuals with clinical features of GRIN2B-related conditions (PMID: 28377535, 28333917, 27818011, 28867141). Based on the available evidence, the de novo missense variant c.2117T>A, p.Met706Lys in the GRIN2B gene is classified as pathogenic.